The following is an entry in ClinVar:

NM_018965.4(TREM2):c.*169G>A

Gene: TREM2 (triggering receptor expressed on myeloid cells 2; minus strand). Cytogenetic location: 6p21.1.
Variant type: single nucleotide variant.
Coding change: c.*169G>A on transcript NM_018965.4 (MANE Select); 169 bases downstream of the stop codon, G replaced by A.
Molecular consequence: 3 prime UTR variant.
Genome position (GRCh38, 1-based): chr6:41,158,595, C>T on the plus strand (G>A on the coding strand, the complement: TREM2 is on the minus strand). VCF-style: chr6-41158595-C-T. GRCh37 (hg19) VCF-style: chr6-41126333-C-T.
Other names: c.*8G>A (NM_001271821.2).
Identifiers: ClinVar variation 3034609 (VCV003034609.2), dbSNP rs541066478, ClinGen allele CA3798765.

ClinVar aggregate classification (germline): Likely benign (0 of 4 stars; one submission).

Conditions:
TREM2-related disorder. Also called: TREM2-related condition.

Allele frequency attached by ClinVar (database versions not stated): gnomAD exomes 0.00006; 1000 Genomes Project 0.00020; 1000 Genomes Project 30x 0.00031; ExAC 0.00034; gnomAD 0.00042; TOPMed 0.00051.
gnomAD v4.1: 156 of 1,558,696 alleles (0.01%); highest among the groups gnomAD compares: African/African-American, 0.15%; no homozygotes.

Submission:

PreventionGenetics, part of Exact Sciences
Classification: Likely benign for TREM2-related condition. Last evaluated: 2019-07-31. Review status: no assertion criteria provided. Collection method: clinical testing. Allele origin: germline.
Comment: This variant is classified as likely benign based on ACMG/AMP sequence variant interpretation guidelines (Richards et al. 2015 PMID: 25741868, with internal and published modifications).